The following is an entry in ClinVar:

ClinVar aggregate classification (germline): Uncertain significance (1 of 4 stars; one submission).

Conditions:
Hereditary sensory neuropathy-deafness-dementia syndrome. Also called: HSN IE; Hereditary sensory neuropathy type IE; NEUROPATHY, HEREDITARY SENSORY, WITH HEARING LOSS AND DEMENTIA; Hereditary Sensory and Autonomic Neuropathy Type 1E (HSAN1E). Identifiers: Orphanet 456318, MedGen C3279885, MONDO:0013584, OMIM 614116.

Submission:

Labcorp Genetics (formerly Invitae), Labcorp
Classification: Uncertain significance for Hereditary sensory neuropathy-deafness-dementia syndrome. Last evaluated: 2021-08-26. Review status: criteria provided, single submitter. Criteria: Invitae Variant Classification Sherloc (09022015). Collection method: clinical testing. Allele origin: germline.
Comment: This sequence change replaces leucine with isoleucine at codon 48 of the DNMT1 protein (p.Leu48Ile). The leucine residue is moderately conserved and there is a small physicochemical difference between leucine and isoleucine. This variant is not present in population databases (ExAC no frequency). This variant has not been reported in the literature in individuals affected with DNMT1-related conditions. Algorithms developed to predict the effect of missense changes on protein structure and function are either unavailable or do not agree on the potential impact of this missense change (SIFT: "Deleterious"; PolyPhen-2: "Probably Damaging"; Align-GVGD: "Class C0"). In summary, the available evidence is currently insufficient to determine the role of this variant in disease. Therefore, it has been classified as a Variant of Uncertain Significance.

NM_001130823.3(DNMT1):c.142C>A (p.Leu48Ile)

Gene: DNMT1 (DNA methyltransferase 1; minus strand). Cytogenetic location: 19p13.2.
Variant type: single nucleotide variant.
Coding change: c.142C>A on transcript NM_001130823.3 (MANE Select); coding-DNA position 142, C replaced by A.
Protein change: p.Leu48Ile; replaces leucine 48 with isoleucine.
Molecular consequence: missense variant. On other transcripts: 5 prime UTR variant (1).
Genome position (GRCh38, 1-based): chr19:10,180,861, G>T on the plus strand (C>A on the coding strand, the complement: DNMT1 is on the minus strand). VCF-style: chr19-10180861-G-T. GRCh37 (hg19) VCF-style: chr19-10291537-G-T.
Other names: c.142C>A, p.Leu48Ile (NM_001318730.2, NM_001379.4); c.-182C>A (NM_001318731.2); short protein forms L48I.
Identifiers: ClinVar variation 1413478 (VCV001413478.6), dbSNP rs2145379887, ClinGen allele CA403947275.